The following is an entry in ClinVar:

NM_000465.4(BARD1):c.1743A>G (p.Gln581=)

Gene: BARD1 (BRCA1 associated RING domain 1; minus strand). Cytogenetic location: 2q35.
Variant type: single nucleotide variant.
Coding change: c.1743A>G on transcript NM_000465.4 (MANE Select); coding-DNA position 1743, A replaced by G.
Protein change: p.Gln581=; no amino-acid change (glutamine 581 retained).
Molecular consequence: synonymous variant. On other transcripts: non-coding transcript variant (3), intron variant (1).
Genome position (GRCh38, 1-based): chr2:214,745,789, T>C on the plus strand (A>G on the coding strand, the complement: BARD1 is on the minus strand). VCF-style: chr2-214745789-T-C. GRCh37 (hg19) VCF-style: chr2-215610513-T-C.
Other names: c.1686A>G, p.Gln562= (NM_001282543.2); c.390A>G, p.Gln130= (NM_001282545.2); c.333A>G, p.Gln111= (NM_001282548.2); c.365-15281A>G (NM_001282549.2).
Identifiers: ClinVar variation 414119 (VCV000414119.15), dbSNP rs1060504192, ClinGen allele CA16610580.
Genomic context (GRCh38, chr2:214,745,789, plus strand): 5'-GTCAAACTCAGTATATTTTTTAGCCTTAAGAATTACTGCAAGCTCACTGAGCATTTTCTG[T>C]TGTTCTGAAGACAGCCCACTGCCTATAAGTACAAGAGGTCCATCCCTACGCTGCCCAGTG-3'
Protein context (NP_000456.2, residues 571-591): VLIGSGLSSE[Gln581=]QKMLSELAVI

ClinVar aggregate classification (germline): Benign/Likely benign. Review status: criteria provided, multiple submitters, no conflicts (2 of 4 stars). 3 submissions from 3 submitters: Benign (1); Likely benign (2). Last evaluated 2024-07-26.

Conditions:
Hereditary cancer-predisposing syndrome. Also called: Neoplastic Syndromes, Hereditary; Tumor predisposition; Hereditary Cancer Syndrome; Hereditary neoplastic syndrome. Identifiers: Orphanet 140162, MedGen C0027672, MeSH D009386, MONDO:0015356.
Familial cancer of breast. Also called: Hereditary breast cancer; hereditary breast carcinoma; BREAST CANCER, FAMILIAL. Identifiers: Orphanet 227535, MedGen C0346153, MONDO:0016419, OMIM 114480. Disease mechanism: loss of function.

Submissions (3):

Myriad Genetics, Inc.
Classification: Benign for Familial cancer of breast. Last evaluated: 2024-07-26. Review status: criteria provided, single submitter. Criteria: Myriad Autosomal Dominant, Autosomal Recessive and X-Linked Classification Criteria (2023). Collection method: clinical testing. Allele origin: unknown.
Comment: This variant is considered benign. This variant is a silent/synonymous amino acid change and it is not expected to impact splicing.

Labcorp Genetics (formerly Invitae), Labcorp
Classification: Likely benign for Familial cancer of breast. Last evaluated: 2023-02-23. Review status: criteria provided, single submitter. Criteria: Invitae Variant Classification Sherloc (09022015). Collection method: clinical testing. Allele origin: germline.

Ambry Genetics
Classification: Likely benign for Hereditary cancer-predisposing syndrome. Last evaluated: 2021-03-10. Review status: criteria provided, single submitter. Criteria: Ambry Variant Classification Scheme 2023. Collection method: clinical testing. Allele origin: germline.